The following is an entry in ClinVar:

NM_001122752.2(SERPINI1):c.910A>G (p.Lys304Glu)

Gene: SERPINI1 (serpin family I member 1; plus strand). Cytogenetic location: 3q26.1.
Variant type: single nucleotide variant.
Coding change: c.910A>G on transcript NM_001122752.2 (MANE Select); coding-DNA position 910, A replaced by G.
Protein change: p.Lys304Glu; replaces lysine 304 with glutamic acid.
Molecular consequence: missense variant.
Genome position (GRCh38, 1-based): chr3:167,807,272, A>G. VCF-style: chr3-167807272-A-G. GRCh37 (hg19) VCF-style: chr3-167525060-A-G.
Other names: c.910A>G, p.Lys304Glu (NM_005025.5); short protein forms K304E.
Identifiers: ClinVar variation 2763893 (VCV002763893.3), dbSNP rs2108567251, ClinGen allele CA355157423.

ClinVar aggregate classification (germline): Uncertain significance (1 of 4 stars; one submission).

Conditions:
Familial encephalopathy with neuroserpin inclusion bodies. Also called: ENCEPHALOPATHY, FAMILIAL, WITH COLLINS BODIES. Identifiers: Orphanet 85110, MedGen C1858680, MONDO:0011412, OMIM 604218.

Submission:

Labcorp Genetics (formerly Invitae), Labcorp
Classification: Uncertain significance for Familial encephalopathy with neuroserpin inclusion bodies. Last evaluated: 2023-09-27. Review status: criteria provided, single submitter. Criteria: Invitae Variant Classification Sherloc (09022015). Collection method: clinical testing. Allele origin: germline.
Comment: Advanced modeling of protein sequence and biophysical properties (such as structural, functional, and spatial information, amino acid conservation, physicochemical variation, residue mobility, and thermodynamic stability) performed at Invitae indicates that this missense variant is not expected to disrupt SERPINI1 protein function. This variant has not been reported in the literature in individuals affected with SERPINI1-related conditions. This variant is not present in population databases (gnomAD no frequency). This sequence change replaces lysine, which is basic and polar, with glutamic acid, which is acidic and polar, at codon 304 of the SERPINI1 protein (p.Lys304Glu). In summary, the available evidence is currently insufficient to determine the role of this variant in disease. Therefore, it has been classified as a Variant of Uncertain Significance.